The following is an entry in ClinVar:

ClinVar aggregate classification (germline): Uncertain significance (1 of 4 stars; one submission).

gnomAD v4.1: 2 of 1,613,980 alleles (0.00012%); highest among the groups gnomAD compares: African/African-American, 0.0027%; no homozygotes.

Submission:

GeneDx
Classification: Uncertain significance. Last evaluated: 2024-05-01. Review status: criteria provided, single submitter. Criteria: GeneDx Variant Classification Process June 2021. Collection method: clinical testing. Allele origin: germline. Affected: yes.
Comment: Not observed at significant frequency in large population cohorts (gnomAD); In silico analysis indicates that this missense variant does not alter protein structure/function; Has not been previously published as pathogenic or benign to our knowledge

NM_022841.7(RFX7):c.2444A>C (p.Asp815Ala)

Gene: RFX7 (regulatory factor X7; minus strand). Cytogenetic location: 15q21.3.
Variant type: single nucleotide variant.
Coding change: c.2444A>C on transcript NM_022841.7 (MANE Select); coding-DNA position 2444, A replaced by C.
Protein change: p.Asp815Ala; replaces aspartic acid 815 with alanine.
Molecular consequence: missense variant.
Genome position (GRCh38, 1-based): chr15:56,095,284, T>G on the plus strand (A>C on the coding strand, the complement: RFX7 is on the minus strand). VCF-style: chr15-56095284-T-G. GRCh37 (hg19) VCF-style: chr15-56387482-T-G.
Other names: c.2153A>C, p.Asp718Ala (NM_001368073.2, NM_001368074.1, NM_001370554.1); c.2444A>C, p.Asp815Ala (NM_001370561.1); short protein forms D718A, D815A.
Identifiers: ClinVar variation 3373374 (VCV003373374.1).